The following is an entry in ClinVar:

ClinVar aggregate classification (germline): Uncertain significance (1 of 4 stars; one submission).

Conditions:
Inborn genetic diseases. Identifiers: MedGen C0950123, MeSH D030342.

Submission:

Ambry Genetics
Classification: Uncertain significance for Inborn genetic diseases. Last evaluated: 2023-11-06. Review status: criteria provided, single submitter. Criteria: Ambry Variant Classification Scheme 2023. Collection method: clinical testing. Allele origin: germline.
Comment: The p.K400R variant (also known as c.1199A>G), located in coding exon 9 of the BUB1B gene, results from an A to G substitution at nucleotide position 1199. The lysine at codon 400 is replaced by arginine, an amino acid with highly similar properties. This amino acid position is conserved. In addition, the in silico prediction for this alteration is inconclusive. Since supporting evidence is limited at this time, the clinical significance of this alteration remains unclear.

NM_001211.6(BUB1B):c.1199A>G (p.Lys400Arg)

Gene: BUB1B (BUB1 mitotic checkpoint serine/threonine kinase B; plus strand). Cytogenetic location: 15q15.1.
Variant type: single nucleotide variant.
Coding change: c.1199A>G on transcript NM_001211.6 (MANE Select); coding-DNA position 1199, A replaced by G.
Protein change: p.Lys400Arg; replaces lysine 400 with arginine.
Molecular consequence: missense variant.
Genome position (GRCh38, 1-based): chr15:40,196,685, A>G. VCF-style: chr15-40196685-A-G. GRCh37 (hg19) VCF-style: chr15-40488886-A-G.
Other names: short protein forms K400R.
Identifiers: ClinVar variation 3221334 (VCV003221334.1), dbSNP rs2542550566, ClinGen allele CA391687373.
Genomic context (GRCh38, chr15:40,196,685, plus strand): 5'-AAAGGGTTCAGAGCCATCAGCAAGCGTCTGAGGAGAAGAAAGAGAAGATGATGTATTGTA[A>G]GGAGAAGATTTATGCAGGAGTAGGGGAATTCTCCTTTGAAGAAATTCGGGCTGAAGTTTT-3'
Protein context (NP_001202.5, residues 390-410): EEKKEKMMYC[Lys400Arg]EKIYAGVGEF